The following is an entry in ClinVar:

ClinVar aggregate classification (germline): Uncertain significance. Review status: criteria provided, multiple submitters, no conflicts (2 of 4 stars). 2 submissions from 2 submitters: Uncertain significance (2). Last evaluated 2023-09-19.

Allele frequency attached by ClinVar (database versions not stated): TOPMed below 0.00001; ExAC 0.00001; gnomAD exomes 0.00001.
gnomAD v4.1: 7 of 1,613,840 alleles (0.00043%); highest among the groups gnomAD compares: Admixed American, 0.0083%; no homozygotes.

Submissions (2):

Labcorp Genetics (formerly Invitae), Labcorp
Classification: Uncertain significance. Last evaluated: 2023-09-19. Review status: criteria provided, single submitter. Criteria: Invitae Variant Classification Sherloc (09022015). Collection method: clinical testing. Allele origin: germline.
Comment: This variant has not been reported in the literature in individuals affected with RFWD3-related conditions. This variant is present in population databases (rs778563910, gnomAD 0.01%). This sequence change replaces proline, which is neutral and non-polar, with serine, which is neutral and polar, at codon 177 of the RFWD3 protein (p.Pro177Ser). ClinVar contains an entry for this variant (Variation ID: 2249719). In summary, the available evidence is currently insufficient to determine the role of this variant in disease. Therefore, it has been classified as a Variant of Uncertain Significance. Algorithms developed to predict the effect of sequence changes on RNA splicing suggest that this variant may create or strengthen a splice site. Algorithms developed to predict the effect of missense changes on protein structure and function output the following: SIFT: "Not Available"; PolyPhen-2: "Benign"; Align-GVGD: "Not Available". The serine amino acid residue is found in multiple mammalian species, which suggests that this missense change does not adversely affect protein function.

Ambry Genetics
Classification: Uncertain significance. Last evaluated: 2021-09-16. Review status: criteria provided, single submitter. Criteria: Ambry Variant Classification Scheme 2023. Collection method: clinical testing. Allele origin: germline.

NM_018124.4(RFWD3):c.529C>T (p.Pro177Ser)

Gene: RFWD3 (ring finger and WD repeat domain 3; minus strand). Cytogenetic location: 16q23.1.
Variant type: single nucleotide variant.
Coding change: c.529C>T on transcript NM_018124.4 (MANE Select); coding-DNA position 529, C replaced by T.
Protein change: p.Pro177Ser; replaces proline 177 with serine.
Molecular consequence: missense variant. On other transcripts: 5 prime UTR variant (4), intron variant (1).
Genome position (GRCh38, 1-based): chr16:74,652,112, G>A on the plus strand (C>T on the coding strand, the complement: RFWD3 is on the minus strand). VCF-style: chr16-74652112-G-A. GRCh37 (hg19) VCF-style: chr16-74686010-G-A.
Other names: c.529C>T, p.Pro177Ser (NM_001370534.1, NM_001370535.1, NM_001370536.1); c.-480C>T (NM_001370537.1); c.-306C>T (NM_001370540.1); c.-357C>T (NM_001370542.1); c.-235C>T (NM_001370543.1); c.-113-2910C>T (NM_001370539.1); short protein forms P177S.
Identifiers: ClinVar variation 2249719 (VCV002249719.5), dbSNP rs778563910, ClinGen allele CA8169528.